The following is an entry in ClinVar:

NM_001372.4(DNAH9):c.2311C>T (p.Arg771Cys)

Gene: DNAH9 (dynein axonemal heavy chain 9; plus strand). Cytogenetic location: 17p12.
Variant type: single nucleotide variant.
Coding change: c.2311C>T on transcript NM_001372.4 (MANE Select); coding-DNA position 2311, C replaced by T.
Protein change: p.Arg771Cys; replaces arginine 771 with cysteine.
Molecular consequence: missense variant.
Genome position (GRCh38, 1-based): chr17:11,651,282, C>T. VCF-style: chr17-11651282-C-T. GRCh37 (hg19) VCF-style: chr17-11554599-C-T.
Other names: short protein forms R771C.
Identifiers: ClinVar variation 2501371 (VCV002501371.4), dbSNP rs137877445, ClinGen allele CA8395137.

ClinVar aggregate classification (germline): Conflicting classifications of pathogenicity. Review status: criteria provided, conflicting classifications (1 of 4 stars). 4 submissions from 4 submitters: Uncertain significance (3); Likely benign (1). Last evaluated 2025-07-30.

Conditions:
Inborn genetic diseases. Identifiers: MedGen C0950123, MeSH D030342.
Ciliary dyskinesia, primary, 40. Also called: CILIARY DYSKINESIA, PRIMARY, 40, WITH OR WITHOUT SITUS INVERSUS. Identifiers: MedGen C4749028, MONDO:0032664, OMIM 618300.

Allele frequency attached by ClinVar (database versions not stated): TOPMed 0.00013; gnomAD exomes 0.00005; ExAC 0.00016; 1000 Genomes Project 0.00020; ESP Exome Variant Server 0.00046; gnomAD 0.00019; 1000 Genomes Project 30x 0.00016.
gnomAD v4.1: 106 of 1,613,788 alleles (0.0066%); highest among the groups gnomAD compares: African/African-American, 0.036%; no homozygotes.

Submissions (4):

Johns Hopkins Genomics, Johns Hopkins University
Classification: Uncertain significance for Ciliary dyskinesia, primary, 40. Last evaluated: 2025-07-30. Review status: criteria provided, single submitter. Criteria: ACMG Guidelines, 2015. Collection method: clinical testing. Allele origin: germline.
Comment: This DNAH9 missense variant (rs137877445) is rare (<0.1%) in a large population dataset (gnomADv4.1.0: 106/1613788 total alleles; MAF 0.006568%; 0 homozygotes). This variant has been reported in ClinVar (Variation ID 2501371), but has not been reported in the literature, to our knowledge. Three bioinformatics tools predict that this substitution would be tolerated. The arginine residue at this position is not evolutionarily conserved across vertebrates, and cysteine is present in multiple vertebrate species. We consider the clinical significance of c.2311C>T in DNAH9 to be uncertain at this time.

Ambry Genetics
Classification: Likely benign for Inborn genetic diseases. Last evaluated: 2024-09-08. Review status: criteria provided, single submitter. Criteria: Ambry Variant Classification Scheme 2023. Collection method: clinical testing. Allele origin: germline.

Labcorp Genetics (formerly Invitae), Labcorp
Classification: Uncertain significance. Last evaluated: 2023-04-29. Review status: criteria provided, single submitter. Criteria: Invitae Variant Classification Sherloc (09022015). Collection method: clinical testing. Allele origin: germline.
Comment: In summary, the available evidence is currently insufficient to determine the role of this variant in disease. Therefore, it has been classified as a Variant of Uncertain Significance. Advanced modeling of protein sequence and biophysical properties (such as structural, functional, and spatial information, amino acid conservation, physicochemical variation, residue mobility, and thermodynamic stability) performed at Invitae indicates that this missense variant is expected to disrupt DNAH9 protein function. This variant has not been reported in the literature in individuals affected with DNAH9-related conditions. This variant is present in population databases (rs137877445, gnomAD 0.07%). This sequence change replaces arginine, which is basic and polar, with cysteine, which is neutral and slightly polar, at codon 771 of the DNAH9 protein (p.Arg771Cys).

GeneDx
Classification: Uncertain significance. Last evaluated: 2022-11-03. Review status: criteria provided, single submitter. Criteria: GeneDx Variant Classification Process June 2021. Collection method: clinical testing. Allele origin: germline. Affected: yes.
Comment: In silico analysis supports that this missense variant has a deleterious effect on protein structure/function; Has not been previously published as pathogenic or benign to our knowledge

Literature cited by the submitters: PubMed 30471718 (cited by Johns Hopkins Genomics, Johns Hopkins University).